The following is an entry in ClinVar:

NM_015681.6(B9D1):c.204C>A (p.Phe68Leu)

Gene: B9D1 (B9 domain containing 1; minus strand). Cytogenetic location: 17p11.2.
Variant type: single nucleotide variant.
Coding change: c.204C>A on transcript NM_015681.6 (MANE Select); coding-DNA position 204, C replaced by A.
Protein change: p.Phe68Leu; replaces phenylalanine 68 with leucine.
Molecular consequence: missense variant. On other transcripts: 5 prime UTR variant (1).
Genome position (GRCh38, 1-based): chr17:19,357,880, G>T on the plus strand (C>A on the coding strand, the complement: B9D1 is on the minus strand). VCF-style: chr17-19357880-G-T. GRCh37 (hg19) VCF-style: chr17-19261193-G-T.
Other names: c.204C>A, p.Phe68Leu (NM_001321214.2, NM_001321215.3, NM_001321216.2 and 4 more transcripts); c.-157C>A (NM_001368769.2); short protein forms F68L.
Identifiers: ClinVar variation 1405781 (VCV001405781.5), dbSNP rs1006221533, ClinGen allele CA398698650.

ClinVar aggregate classification (germline): Uncertain significance (1 of 4 stars; one submission).

Conditions:
Joubert syndrome. Also called: CEREBELLOPARENCHYMAL DISORDER IV; JOUBERT-BOLTSHAUSER SYNDROME; Familial aplasia of the vermis. Identifiers: Orphanet 475, MedGen C5979921, MONDO:0018772.
Meckel-Gruber syndrome. Also called: DYSENCEPHALIA SPLANCHNOCYSTICA; GRUBER SYNDROME; Dysencephalia splachnocystica. Identifiers: Orphanet 564, MedGen C0265215, MONDO:0018921.

Allele frequency attached by ClinVar (database versions not stated): TOPMed 0.00002.
gnomAD v4.1: 2 of 1,613,986 alleles (0.00012%); highest among the groups gnomAD compares: Admixed American, 0.0033%; no homozygotes.

Submission:

Labcorp Genetics (formerly Invitae), Labcorp
Classification: Uncertain significance for Joubert syndrome; Meckel-Gruber syndrome. Last evaluated: 2022-08-16. Review status: criteria provided, single submitter. Criteria: Invitae Variant Classification Sherloc (09022015). Collection method: clinical testing. Allele origin: germline.
Comment: This variant has not been reported in the literature in individuals affected with B9D1-related conditions. In summary, the available evidence is currently insufficient to determine the role of this variant in disease. Therefore, it has been classified as a Variant of Uncertain Significance. Algorithms developed to predict the effect of missense changes on protein structure and function (SIFT, PolyPhen-2, Align-GVGD) all suggest that this variant is likely to be tolerated. ClinVar contains an entry for this variant (Variation ID: 1405781). This variant is present in population databases (no rsID available, gnomAD 0.006%). This sequence change replaces phenylalanine, which is neutral and non-polar, with leucine, which is neutral and non-polar, at codon 68 of the B9D1 protein (p.Phe68Leu).